The following is an entry in ClinVar:

ClinVar aggregate classification (germline): Pathogenic/Likely pathogenic. Review status: criteria provided, multiple submitters, no conflicts (2 of 4 stars). 3 submissions from 3 submitters: Pathogenic (2); Likely pathogenic (1). Last evaluated 2024-09-29.

Conditions:
Achromatopsia 3 (ACHM3). Also called: TOTAL COLORBLINDNESS WITH MYOPIA; ROD MONOCHROMACY 1; ROD MONOCHROMATISM 1; ACHROMATOPSIA WITH MYOPIA; PINGELAPESE BLINDNESS. Identifiers: Orphanet 49382, MedGen C1849792, MONDO:0009875, OMIM 262300.
CNGB3-related disorder. Also called: CNGB3-related disorders; CNGB3-related condition. Identifiers: MedGen CN239340.

Submissions (3):

Myriad Genetics, Inc.
Classification: Pathogenic for Achromatopsia 3. Last evaluated: 2024-09-29. Review status: criteria provided, single submitter. Criteria: Myriad Autosomal Dominant, Autosomal Recessive and X-Linked Classification Criteria (2023). Collection method: clinical testing. Allele origin: unknown.
Comment: NM_019098.4(CNGB3):c.1250delT(L417Yfs*9) is expected to be pathogenic in the context of achromatopsia, CNGB3-related. This variant is predicted to lead to an abnormal or absent protein product due to the creation of a premature termination codon in CNGB3, a gene where loss-of-function variants are known to be pathogenic. Please note: this variant was assessed in the context of healthy population screening.

Labcorp Genetics (formerly Invitae), Labcorp
Classification: Pathogenic. Last evaluated: 2023-05-13. Review status: criteria provided, single submitter. Criteria: Invitae Variant Classification Sherloc (09022015). Collection method: clinical testing. Allele origin: germline.
Comment: For these reasons, this variant has been classified as Pathogenic. ClinVar contains an entry for this variant (Variation ID: 1432985). This variant has not been reported in the literature in individuals affected with CNGB3-related conditions. This variant is present in population databases (rs759746961, gnomAD 0.004%). This sequence change creates a premature translational stop signal (p.Leu417Tyrfs*9) in the CNGB3 gene. It is expected to result in an absent or disrupted protein product. Loss-of-function variants in CNGB3 are known to be pathogenic (PMID: 28795510).

Blueprint Genetics
Classification: Likely pathogenic for CNGB3-related disorders. Last evaluated: 2020-11-19. Review status: criteria provided, single submitter. Criteria: ACMG Guidelines, 2015. Collection method: clinical testing. Allele origin: germline. Affected: yes. Observed: 2 variant alleles.

Literature cited by the submitters: PubMed 28795510 (cited by Labcorp Genetics (formerly Invitae), Labcorp).

NM_019098.5(CNGB3):c.1250del (p.Leu417fs)

Gene: CNGB3 (cyclic nucleotide gated channel subunit beta 3; minus strand). Cytogenetic location: 8q21.3.
Variant type: Deletion.
Coding change: c.1250del on transcript NM_019098.5 (MANE Select); coding-DNA position 1250, one base deleted (T; older notation c.1250delT).
Protein change: p.Leu417fs; shifts the reading frame from leucine 417.
Molecular consequence: frameshift variant.
Genome position (GRCh38, 1-based): chr8:86,632,822, A deleted on the plus strand (T on the coding strand, the reverse complement: CNGB3 is on the minus strand); the first of 3 consecutive A bases (chr8:86,632,822-86,632,824); deleting any one gives the same sequence. VCF-style (leftmost placement, unchanged base first): chr8-86632821-TA-T. GRCh37 (hg19) VCF-style: chr8-87645049-TA-T.
Other names: short protein forms L417fs.
Identifiers: ClinVar variation 1432985 (VCV001432985.8), dbSNP rs759746961, ClinGen allele CA4800095.
Genomic context (GRCh38, chr8:86,632,821, plus strand): 5'-TAAACTGGAGAACACAAAAACTCCAGAAAAAAAATTCAAGAGTTGAAAAACAATTTCAAA[TA>T]AAGTTTGTGGTTCTGGAAGGCCACCAATGGTAATTAAAGTTCGAACTGCCCAATAATAAC-3'